The following is an entry in ClinVar:

NM_004415.4(DSP):c.7551G>A (p.Val2517=)

Gene: DSP (desmoplakin; plus strand). Cytogenetic location: 6p24.3.
Variant type: single nucleotide variant.
Coding change: c.7551G>A on transcript NM_004415.4 (MANE Select); coding-DNA position 7551, G replaced by A.
Protein change: p.Val2517=; no amino-acid change (valine 2517 retained).
Molecular consequence: synonymous variant.
Genome position (GRCh38, 1-based): chr6:7,584,813, G>A. VCF-style: chr6-7584813-G-A. GRCh37 (hg19) VCF-style: chr6-7585046-G-A.
Other names: c.5754G>A, p.Val1918= (NM_001008844.3); c.6222G>A, p.Val2074= (NM_001319034.2).
Identifiers: ClinVar variation 911430 (VCV000911430.18), dbSNP rs754127386, ClinGen allele CA050097.
Genomic context (GRCh38, chr6:7,584,813, plus strand): 5'-TGAGCAGGAATGTGAATGGGAAGAAATAACCATCACGGGATCAGATGGCTCCACCAGGGT[G>A]GTCCTGGTAGATAGAAAGACAGGCAGTCAGTATGATATTCAAGATGCTATTGACAAGGGC-3'
Protein context (NP_004406.2, residues 2507-2527): TITGSDGSTR[Val2517=]VLVDRKTGSQ

ClinVar aggregate classification (germline): Conflicting classifications of pathogenicity. Review status: criteria provided, conflicting classifications (1 of 4 stars). 8 submissions from 6 submitters: Uncertain significance (3); Likely benign (5). Last evaluated 2025-09-13.

Conditions:
Cardiovascular phenotype. Identifiers: MedGen CN230736.
Woolly hair-skin fragility syndrome (WHSF). Identifiers: Orphanet 293165, MedGen C1843292, MONDO:0957307, OMIM 620415.
Lethal acantholytic epidermolysis bullosa (EBLA). Identifiers: Orphanet 158687, MedGen C1864826, MONDO:0012323, OMIM 609638.
Arrhythmogenic right ventricular dysplasia 8 (ARVD8). Also called: Arrhythmogenic Right Ventricular Dysplasia/Cardiomyopathy 8; ARRHYTHMOGENIC RIGHT VENTRICULAR DYSPLASIA, FAMILIAL, 8; ARRHYTHMOGENIC RIGHT VENTRICULAR CARDIOMYOPATHY 8. Identifiers: MedGen C1843896, MONDO:0011831, OMIM 607450.
Cardiomyopathy (CMYO). Also called: Cardiomyopathies. Identifiers: Orphanet 167848, MedGen C0878544, MONDO:0004994, HP:0001638. Inheritance: Various modes of inheritance.
Arrhythmogenic cardiomyopathy with wooly hair and keratoderma. Also called: Carvajal syndrome; PALMOPLANTAR KERATODERMA WITH LEFT VENTRICULAR CARDIOMYOPATHY AND WOOLLY HAIR; Dilated cardiomyopathy with woolly hair and keratoderma; Arrhythmogenic cardiomyopathy with woolly hair and keratoderma. Identifiers: Orphanet 65282, MedGen C1854063, MONDO:0011581, OMIM 605676.

Allele frequency attached by ClinVar (database versions not stated): ExAC 0.00001; gnomAD 0.00001 and 0.00003; gnomAD exomes 0.00002 and 0.00005; TOPMed 0.00002.
gnomAD v4.1: 34 of 1,614,182 alleles (0.0021%); highest among the groups gnomAD compares: East Asian, 0.069%; no homozygotes.

Submissions (8):

Labcorp Genetics (formerly Invitae), Labcorp
Classification: Likely benign for Arrhythmogenic cardiomyopathy with wooly hair and keratoderma; Arrhythmogenic right ventricular dysplasia 8. Last evaluated: 2025-09-13. Review status: criteria provided, single submitter. Criteria: Invitae Variant Classification Sherloc (09022015). Collection method: clinical testing. Allele origin: germline.

All of Us Research Program, National Institutes of Health
Classification: Likely benign for Arrhythmogenic cardiomyopathy with wooly hair and keratoderma. Last evaluated: 2024-04-16. Review status: criteria provided, single submitter. Criteria: ACMG Guidelines, 2015. Collection method: clinical testing. Allele origin: germline. Inheritance: Autosomal dominant inheritance. Observed: 1 variant allele, 1 heterozygote.
Comment: This study involves interpretation of variants in research participants for the purpose of population health screening. Participant phenotype was not available at the time of variant classification. Additional details can be found in publication PMID: 35346344, PMCID: PMC8962531

Blueprint Genetics
Classification: Likely benign. Last evaluated: 2022-11-15. Review status: criteria provided, single submitter. Criteria: ACMG Guidelines, 2015. Collection method: clinical testing. Allele origin: germline.

Ambry Genetics
Classification: Likely benign for Cardiovascular phenotype. Last evaluated: 2020-12-23. Review status: criteria provided, single submitter. Criteria: Ambry Variant Classification Scheme 2023. Collection method: clinical testing. Allele origin: germline.

Color Diagnostics, LLC DBA Color Health
Classification: Likely benign for Cardiomyopathy. Last evaluated: 2018-12-03. Review status: criteria provided, single submitter. Criteria: ACMG Guidelines, 2015. Collection method: clinical testing. Allele origin: germline.

Illumina Laboratory Services, Illumina
Classification: Uncertain significance for Lethal acantholytic epidermolysis bullosa. Last evaluated: 2018-01-12. Review status: criteria provided, single submitter. Criteria: ICSL Variant Classification Criteria 13 December 2019. Collection method: clinical testing. Allele origin: germline.

Illumina Laboratory Services, Illumina
Classification: Uncertain significance for Arrhythmogenic right ventricular dysplasia 8. Last evaluated: 2018-01-12. Review status: criteria provided, single submitter. Criteria: ICSL Variant Classification Criteria 13 December 2019. Collection method: clinical testing. Allele origin: germline.

Illumina Laboratory Services, Illumina
Classification: Uncertain significance for Arrhythmogenic cardiomyopathy with wooly hair and keratoderma. Last evaluated: 2018-01-12. Review status: criteria provided, single submitter. Criteria: ICSL Variant Classification Criteria 13 December 2019. Collection method: clinical testing. Allele origin: germline.